The following is an entry in ClinVar:

NM_001191057.4(PDE1C):c.1400G>A (p.Arg467His)

Gene: PDE1C (phosphodiesterase 1C; minus strand). Cytogenetic location: 7p14.3.
Variant type: single nucleotide variant.
Coding change: c.1400G>A on transcript NM_001191057.4 (MANE Select); coding-DNA position 1400, G replaced by A.
Protein change: p.Arg467His; replaces arginine 467 with histidine.
Molecular consequence: missense variant.
Genome position (GRCh38, 1-based): chr7:31,824,873, C>T on the plus strand (G>A on the coding strand, the complement: PDE1C is on the minus strand). VCF-style: chr7-31824873-C-T. GRCh37 (hg19) VCF-style: chr7-31864487-C-T.
Other names: c.1400G>A, p.Arg467His (NM_001191056.3, NM_001191059.4, NM_001322055.2 and 3 more transcripts); c.1580G>A, p.Arg527His (NM_001191058.4, NM_001322058.2); c.1805G>A, p.Arg602His (NM_001322059.2); short protein forms R527H, R602H, R467H.
Identifiers: ClinVar variation 4990361 (VCV004990361.1).

ClinVar aggregate classification (germline): Uncertain significance (1 of 4 stars; one submission).

Conditions:
PDE1C-related disorder. Also called: PDE1C-related condition.

gnomAD v4.1: 29 of 1,612,446 alleles (0.0018%); highest among the groups gnomAD compares: Admixed American, 0.013%; no homozygotes.

Submission:

PreventionGenetics, part of Exact Sciences
Classification: Uncertain significance for PDE1C-related condition. Last evaluated: 2025-12-08. Review status: criteria provided, single submitter. Criteria: ACMG Guidelines, 2015. Collection method: clinical testing. Allele origin: germline.
Comment: The PDE1C c.1580G>A variant is predicted to result in the amino acid substitution p.Arg527His. To our knowledge, this variant has not been reported in the literature. This variant is reported in 0.0098% of alleles in individuals of South Asian descent in gnomAD. At this time, the clinical significance of this variant is uncertain due to the absence of conclusive functional and genetic evidence.